The following is an entry in ClinVar:

NM_175914.5(HNF4A):c.826+1G>A

Gene: HNF4A (hepatocyte nuclear factor 4 alpha; plus strand). Cytogenetic location: 20q13.12.
Variant type: single nucleotide variant.
Coding change: c.826+1G>A on transcript NM_175914.5 (MANE Select); the canonical splice donor site of the intron after coding-DNA position 826, G replaced by A.
Molecular consequence: splice donor variant.
Genome position (GRCh38, 1-based): chr20:44,419,877, G>A. VCF-style: chr20-44419877-G-A. GRCh37 (hg19) VCF-style: chr20-43048517-G-A.
Other names: c.817+1G>A (NM_001287182.2, NM_001287183.2, NM_001287184.2); c.826+1G>A (NM_001030003.3, NM_001030004.3); c.871+1G>A (NM_001258355.2); c.892+1G>A (NM_178849.3, NM_000457.6, NM_178850.3).
Identifiers: ClinVar variation 2103513 (VCV002103513.4), dbSNP rs2515699379, ClinGen allele CA409107655.

ClinVar aggregate classification (germline): Likely pathogenic (1 of 4 stars; one submission).

Submission:

Labcorp Genetics (formerly Invitae), Labcorp
Classification: Likely pathogenic. Last evaluated: 2022-02-25. Review status: criteria provided, single submitter. Criteria: Invitae Variant Classification Sherloc (09022015). Collection method: clinical testing. Allele origin: germline.
Comment: Algorithms developed to predict the effect of sequence changes on RNA splicing suggest that this variant may disrupt the consensus splice site. This variant has not been reported in the literature in individuals affected with HNF4A-related conditions. This variant is not present in population databases (gnomAD no frequency). This sequence change affects a donor splice site in intron 7 of the HNF4A gene. It is expected to disrupt RNA splicing. Variants that disrupt the donor or acceptor splice site typically lead to a loss of protein function (PMID: 16199547), and loss-of-function variants in HNF4A are known to be pathogenic (PMID: 20164212, 23275527, 23348805, 24097065). In summary, the currently available evidence indicates that the variant is pathogenic, but additional data are needed to prove that conclusively. Therefore, this variant has been classified as Likely Pathogenic.

Literature cited by the submitters: PubMed 16199547; PubMed 20164212; PubMed 23275527; PubMed 23348805; PubMed 24097065.